The following is an entry in ClinVar:

ClinVar aggregate classification (germline): Uncertain significance. Review status: criteria provided, multiple submitters, no conflicts (2 of 4 stars). 2 submissions from 2 submitters: Uncertain significance (2). Last evaluated 2024-12-09.

Conditions:
Inborn genetic diseases. Identifiers: MedGen C0950123, MeSH D030342.
Epilepsy, familial focal, with variable foci 3 (FFEVF3). Identifiers: MedGen C4310708, MONDO:0014925, OMIM 617118.

gnomAD v4.1: 8 of 1,582,600 alleles (0.00051%); highest among the groups gnomAD compares: Non-Finnish European, 0.0006%; no homozygotes.

Submissions (2):

Ambry Genetics
Classification: Uncertain significance for Inborn genetic diseases. Last evaluated: 2024-12-09. Review status: criteria provided, single submitter. Criteria: Ambry Variant Classification Scheme 2023. Collection method: clinical testing. Allele origin: germline.

Labcorp Genetics (formerly Invitae), Labcorp
Classification: Uncertain significance for Epilepsy, familial focal, with variable foci 3. Last evaluated: 2024-11-16. Review status: criteria provided, single submitter. Criteria: Invitae Variant Classification Sherloc (09022015). Collection method: clinical testing. Allele origin: germline.
Comment: This sequence change replaces cysteine, which is neutral and slightly polar, with phenylalanine, which is neutral and non-polar, at codon 411 of the NPRL3 protein (p.Cys411Phe). This variant is not present in population databases (gnomAD no frequency). This variant has not been reported in the literature in individuals affected with NPRL3-related conditions. Invitae Evidence Modeling of protein sequence and biophysical properties (such as structural, functional, and spatial information, amino acid conservation, physicochemical variation, residue mobility, and thermodynamic stability) indicates that this missense variant is not expected to disrupt NPRL3 protein function with a negative predictive value of 80%. In summary, the available evidence is currently insufficient to determine the role of this variant in disease. Therefore, it has been classified as a Variant of Uncertain Significance.

NM_001077350.3(NPRL3):c.1232G>T (p.Cys411Phe)

Genes: HBA-LCR (alpha-globin locus control region; plus strand), NPRL3 (NPR3 like, GATOR1 complex subunit; minus strand). Cytogenetic location: 16p13.3.
Variant type: single nucleotide variant.
Coding change: c.1232G>T on transcript NM_001077350.3 (MANE Select); coding-DNA position 1232, G replaced by T.
Protein change: p.Cys411Phe; replaces cysteine 411 with phenylalanine.
Molecular consequence: missense variant.
Genome position (GRCh38, 1-based): chr16:89,832, C>A on the plus strand (G>T on the coding strand, the complement: NPRL3 is on the minus strand). VCF-style: chr16-89832-C-A. GRCh37 (hg19) VCF-style: chr16-139830-C-A.
Other names: c.695G>T, p.Cys232Phe (NM_001039476.3); c.998G>T, p.Cys333Phe (NM_001243247.2); c.1157G>T, p.Cys386Phe (NM_001243248.2, NM_001243249.2); short protein forms C232F, C333F, C386F, C411F.
Identifiers: ClinVar variation 3407486 (VCV003407486.3).